The following is an entry in ClinVar:

ClinVar aggregate classification (germline): Pathogenic (1 of 4 stars; one submission).

Conditions:
RYR1-related disorder. Also called: RYR1-related condition; RYR1-related disorders. Identifiers: MedGen CN239331.

Submission:

Labcorp Genetics (formerly Invitae), Labcorp
Classification: Pathogenic for RYR1-related disorder. Last evaluated: 2022-03-08. Review status: criteria provided, single submitter. Criteria: Invitae Variant Classification Sherloc (09022015). Collection method: clinical testing. Allele origin: germline.
Comment: For these reasons, this variant has been classified as Pathogenic. This variant has not been reported in the literature in individuals affected with RYR1-related conditions. This variant is not present in population databases (gnomAD no frequency). This sequence change creates a premature translational stop signal (p.His4427Profs*7) in the RYR1 gene. It is expected to result in an absent or disrupted protein product. Loss-of-function variants in RYR1 are known to be pathogenic (PMID: 20583297, 20839240, 23919265, 28818389).

Literature cited by the submitters: PubMed 20583297; PubMed 20839240; PubMed 23919265; PubMed 28818389.

NM_000540.3(RYR1):c.13280_13301del (p.His4427fs)

Genes: RYR1 (ryanodine receptor 1; plus strand), LOC130064357 (ATAC-STARR-seq lymphoblastoid silent region 10577; plus strand). Cytogenetic location: 19q13.2.
Variant type: Deletion.
Coding change: c.13280_13301del on transcript NM_000540.3 (MANE Select); coding-DNA positions 13280 to 13301, 22 bases deleted (ACGAGGCCGGGCCGGGCGGTGC).
Protein change: p.His4427fs; shifts the reading frame from histidine 4427.
Molecular consequence: frameshift variant.
Genome position (GRCh38, 1-based): chr19:38,565,614-38,565,635, ACGAGGCCGGGCCGGGCGGTGC deleted; deleting any 22 consecutive bases within chr19:38,565,606-38,565,635 gives the same sequence; the c. name uses the placement nearest the transcript's 3' end. VCF-style (leftmost placement, unchanged base first): chr19-38565605-AGGCGGTGCACGAGGCCGGGCCG-A. GRCh37 (hg19) VCF-style: chr19-39056245-AGGCGGTGCACGAGGCCGGGCCG-A.
Other names: c.13265_13286del, p.His4422fs (NM_001042723.2); short protein forms H4427fs, H4422fs.
Identifiers: ClinVar variation 1945286 (VCV001945286.5), dbSNP rs2514680874, ClinGen allele CA2580097197.